The following is an entry in ClinVar:

NM_001001331.4(ATP2B2):c.3180G>T (p.Gln1060His)

Gene: ATP2B2 (ATPase plasma membrane Ca2+ transporting 2; minus strand). Cytogenetic location: 3p25.3.
Variant type: single nucleotide variant.
Coding change: c.3180G>T on transcript NM_001001331.4 (MANE Select); coding-DNA position 3180, G replaced by T.
Protein change: p.Gln1060His; replaces glutamine 1060 with histidine.
Molecular consequence: missense variant.
Genome position (GRCh38, 1-based): chr3:10,340,299, C>A on the plus strand (G>T on the coding strand, the complement: ATP2B2 is on the minus strand). VCF-style: chr3-10340299-C-A. GRCh37 (hg19) VCF-style: chr3-10381983-C-A.
Other names: c.3045G>T, p.Gln1015His (NM_001330611.3, NM_001353564.1, NM_001363862.1 and 2 more transcripts); c.3087G>T, p.Gln1029His (NM_001438646.1); short protein forms Q1060H, Q1015H, Q1029H.
Identifiers: ClinVar variation 4744489 (VCV004744489.1).

ClinVar aggregate classification (germline): Uncertain significance (1 of 4 stars; one submission).

Submission:

Labcorp Genetics (formerly Invitae), Labcorp
Classification: Uncertain significance. Last evaluated: 2025-06-07. Review status: criteria provided, single submitter. Criteria: Invitae Variant Classification Sherloc (09022015). Collection method: clinical testing. Allele origin: germline.
Comment: This sequence change replaces glutamine, which is neutral and polar, with histidine, which is basic and polar, at codon 1015 of the ATP2B2 protein (p.Gln1015His). This variant is not present in population databases (gnomAD no frequency). This variant has not been reported in the literature in individuals affected with ATP2B2-related conditions. Invitae Evidence Modeling of protein sequence and biophysical properties (such as structural, functional, and spatial information, amino acid conservation, physicochemical variation, residue mobility, and thermodynamic stability) indicates that this missense variant is not expected to disrupt ATP2B2 protein function with a negative predictive value of 80%. In summary, the available evidence is currently insufficient to determine the role of this variant in disease. Therefore, it has been classified as a Variant of Uncertain Significance.